The following is an entry in ClinVar:

ClinVar aggregate classification (germline): Conflicting classifications of pathogenicity. Review status: criteria provided, conflicting classifications (1 of 4 stars). 7 submissions from 7 submitters: Uncertain significance (1); Benign (1); Likely benign (4). 1 of the submissions does not count toward it. Last evaluated 2025-12-21.

Conditions:
Inborn genetic diseases. Identifiers: MedGen C0950123, MeSH D030342.
NHLRC1-related disorder. Also called: NHLRC1-related condition.
Lafora disease. Also called: Epilepsy progressive myoclonic 2; Progressive Myoclonus Epilepsy, Lafora Type. Identifiers: Orphanet 501, MedGen C0751783, MONDO:0009697.

Allele frequency attached by ClinVar (database versions not stated): ESP Exome Variant Server 0.00015; 1000 Genomes Project 30x 0.00016; TOPMed 0.00019; 1000 Genomes Project 0.00020; gnomAD 0.00021; ExAC 0.00022; gnomAD exomes 0.00022 and 0.00023.

Submissions (7):

Labcorp Genetics (formerly Invitae), Labcorp
Classification: Likely benign for Lafora disease. Last evaluated: 2025-12-21. Review status: criteria provided, single submitter. Criteria: Invitae Variant Classification Sherloc (09022015). Collection method: clinical testing. Allele origin: germline.

Blueprint Genetics
Classification: Likely benign. Last evaluated: 2024-06-07. Review status: criteria provided, single submitter. Criteria: ACMG Guidelines, 2015. Collection method: clinical testing. Allele origin: germline.

CeGaT Center for Human Genetics Tuebingen
Classification: Likely benign. Last evaluated: 2022-07-01. Review status: criteria provided, single submitter. Criteria: CeGaT Center For Human Genetics Tuebingen Variant Classification Criteria Version 2. Collection method: clinical testing. Allele origin: germline. Affected: yes. Observed: 1 variant allele.
Comment: NHLRC1: BP4, BP7

Illumina Laboratory Services, Illumina
Classification: Uncertain significance for Myoclonic epilepsy of Lafora 1. Last evaluated: 2018-01-13. Review status: criteria provided, single submitter. Criteria: ICSL Variant Classification Criteria 13 December 2019. Collection method: clinical testing. Allele origin: germline.

Ambry Genetics
Classification: Likely benign for Inborn genetic diseases. Last evaluated: 2016-08-30. Review status: criteria provided, single submitter. Criteria: Ambry Variant Classification Scheme 2023. Collection method: clinical testing. Allele origin: germline.

GeneDx
Classification: Benign. Last evaluated: 2015-03-03. Review status: criteria provided, single submitter. Criteria: GeneDx Variant Classification Process June 2021. Collection method: clinical testing. Allele origin: germline. Affected: yes.

PreventionGenetics, part of Exact Sciences
Classification: Likely benign for NHLRC1-related condition. Last evaluated: 2019-05-06. Review status: no assertion criteria provided. Collection method: clinical testing. Allele origin: germline. Not counted in ClinVar's aggregate classification.
Comment: This variant is classified as likely benign based on ACMG/AMP sequence variant interpretation guidelines (Richards et al. 2015 PMID: 25741868, with internal and published modifications).

NM_198586.3(NHLRC1):c.990G>A (p.Gln330=)

Gene: NHLRC1 (NHL repeat containing E3 ubiquitin protein ligase 1; minus strand). Cytogenetic location: 6p22.3.
Variant type: single nucleotide variant.
Coding change: c.990G>A on transcript NM_198586.3 (MANE Select); coding-DNA position 990, G replaced by A.
Protein change: p.Gln330=; no amino-acid change (glutamine 330 retained).
Molecular consequence: synonymous variant.
Genome position (GRCh38, 1-based): chr6:18,121,617, C>T on the plus strand (G>A on the coding strand, the complement: NHLRC1 is on the minus strand). VCF-style: chr6-18121617-C-T. GRCh37 (hg19) VCF-style: chr6-18121848-C-T.
Identifiers: ClinVar variation 416515 (VCV000416515.48), dbSNP rs148553723, ClinGen allele CA3649891.